The following is an entry in ClinVar:

ClinVar aggregate classification (germline): Pathogenic (1 of 4 stars; one submission).

Allele frequency attached by ClinVar (database versions not stated): gnomAD 0.00001.
gnomAD v4.1: 1 of 1,613,860 alleles (0.000062%); highest among the groups gnomAD compares: Admixed American, 0.0017%; no homozygotes.

Submission:

Labcorp Genetics (formerly Invitae), Labcorp
Classification: Pathogenic. Last evaluated: 2024-01-26. Review status: criteria provided, single submitter. Criteria: Invitae Variant Classification Sherloc (09022015). Collection method: clinical testing. Allele origin: germline.
Comment: This sequence change creates a premature translational stop signal (p.Glu256*) in the TUBGCP6 gene. It is expected to result in an absent or disrupted protein product. Loss-of-function variants in TUBGCP6 are known to be pathogenic (PMID: 25344692). This variant is present in population databases (no rsID available, gnomAD 0.1%). This variant has not been reported in the literature in individuals affected with TUBGCP6-related conditions. ClinVar contains an entry for this variant (Variation ID: 1454395). For these reasons, this variant has been classified as Pathogenic.

Literature cited by the submitters: PubMed 25344692.

NM_020461.4(TUBGCP6):c.766G>T (p.Glu256Ter)

Gene: TUBGCP6 (tubulin gamma complex component 6; minus strand). Cytogenetic location: 22q13.33.
Variant type: single nucleotide variant.
Coding change: c.766G>T on transcript NM_020461.4 (MANE Select); coding-DNA position 766, G replaced by T.
Protein change: p.Glu256Ter; replaces glutamic acid 256 with a stop codon.
Molecular consequence: nonsense.
Genome position (GRCh38, 1-based): chr22:50,240,343, C>A on the plus strand (G>T on the coding strand, the complement: TUBGCP6 is on the minus strand). VCF-style: chr22-50240343-C-A. GRCh37 (hg19) VCF-style: chr22-50678772-C-A.
Other names: short protein forms E256*.
Identifiers: ClinVar variation 1454395 (VCV001454395.6), dbSNP rs936296358, ClinGen allele CA325481827.